The following is an entry in ClinVar:

ClinVar aggregate classification (germline): Uncertain significance (3 of 4 stars; one submission).

Conditions:
Monogenic diabetes. Identifiers: Orphanet 183625, MedGen C3888631, MONDO:0015967.

gnomAD v4.1: 1 of 1,608,788 alleles (0.000062%); highest among the groups gnomAD compares: African/African-American, 0.0013%; no homozygotes.

Submission:

ClinGen Monogenic Diabetes Variant Curation Expert Panel
Classification: Uncertain significance for Monogenic diabetes. Last evaluated: 2025-11-26. Review status: reviewed by expert panel. Criteria: ClinGen Diabetes ACMG Specifications HNF1A V3.1.0. Collection method: curation. Allele origin: germline. Inheritance: Autosomal dominant inheritance.
Comment: The c.225C>G variant in the HNF1 homeobox A gene, HNF1A, causes an amino acid change of asparagine to glutamate at codon 75 (p.(Asp75Glu)) of NM_000545.8. This variant has an incomputable gnomAD v4.1.0 Grpmax filtering allele frequency due to the presence of one copy in the African/African American subpopulation and 0 copies in any other subpopulation, thereby meeting the ClinGen MDEP threshold criteria for PM2_Supporting. This variant has a REVEL score of 0.564, which is between the ClinGen MDEP thresholds for BP4 and PP3, predicting neither a damaging nor benign impact on HNF1A function. The nucleotide change c.225C>G, which causes the same amino acid change, was classified as a VUS by by the ClinGen MDEP; therefore, PS1 will not be applied. In summary, c.225C>G meets the criteria to be classified as a variant of uncertain significance for monogenic diabetes. ACMG/AMP criteria applied, as specified by the ClinGen MDEP (specification version 3.1.0 approved 10/10/2025): PM2_Supporting.

NM_000545.8(HNF1A):c.225C>G (p.Asp75Glu)

Gene: HNF1A (HNF1 homeobox A; plus strand). Cytogenetic location: 12q24.31.
Variant type: single nucleotide variant.
Coding change: c.225C>G on transcript NM_000545.8 (MANE Select); coding-DNA position 225, C replaced by G.
Protein change: p.Asp75Glu; replaces aspartic acid 75 with glutamic acid.
Molecular consequence: missense variant.
Genome position (GRCh38, 1-based): chr12:120,978,993, C>G. VCF-style: chr12-120978993-C-G. GRCh37 (hg19) VCF-style: chr12-121416796-C-G.
Other names: NM_001306179.2:c.225C>G; c.225C>G, p.Asp75Glu (NM_001306179.2); short protein forms D75E.
Identifiers: ClinVar variation 1676701 (VCV001676701.4), dbSNP rs202180554, ClinGen allele CA386953857.
Genomic context (GRCh38, chr12:120,978,993, plus strand): 5'-GGAGCTGGCTGAGCTGCCCAATGGGCTGGGGGAGACTCGGGGCTCCGAGGACGAGACGGA[C>G]GACGATGGGGAAGACTTCACGCCACCCATCCTCAAAGAGCTGGAGAACCTCAGCCCTGAG-3'
Protein context (NP_000536.6, residues 65-85): GETRGSEDET[Asp75Glu]DDGEDFTPPI